The following is an entry in ClinVar:

ClinVar aggregate classification (germline): Pathogenic (0 of 4 stars; one submission).

Conditions:
Fanconi anemia complementation group A (FANCA). Also called: Fanconi anemia, group A; FANCA-Related Fanconi Anemia. Identifiers: Orphanet 84, MedGen C3469521, MONDO:0009215, OMIM 227650.

Submission:

Leiden Open Variation Database
Classification: Pathogenic for Fanconi anemia complementation group A. Last evaluated: 2020-02-28. Review status: no assertion criteria provided. Collection method: curation. Allele origin: germline. Affected: yes.
Comment: Curator: Arleen D. Auerbach. Submitter to LOVD: Arleen D. Auerbach.

Literature cited by the submitters: PubMed 25168418.

NC_000016.10:g.88307778_88341750del

Variant type: Deletion.
Identifiers: ClinVar variation 974320 (VCV000974320.1).